The following is an entry in ClinVar:

NM_005120.3(MED12):c.3662T>C (p.Phe1221Ser)

Gene: MED12 (mediator complex subunit 12; plus strand). Cytogenetic location: Xq13.1.
Variant type: single nucleotide variant.
Coding change: c.3662T>C on transcript NM_005120.3 (MANE Select); coding-DNA position 3662, T replaced by C.
Protein change: p.Phe1221Ser; replaces phenylalanine 1221 with serine.
Molecular consequence: missense variant.
Genome position (GRCh38, 1-based): chrX:71,129,400, T>C. VCF-style: chrX-71129400-T-C. GRCh37 (hg19) VCF-style: chrX-70349250-T-C.
Other names: short protein forms F1221S.
Identifiers: ClinVar variation 2663300 (VCV002663300.1), dbSNP rs2519692505, ClinGen allele CA413520387.
Genomic context (GRCh38, chrX:71,129,400, plus strand): 5'-CCTCCTGCGACCGCCACCTGCTGGCTGCCTCCCAGAACCGCATCGTGGATGGAGCCGTGT[T>C]TGCTGTTCTCAAGGCTGTGTTTGTACTTGGTACGGGGGTAGGAAGGGAGTGGTGCCAGAA-3'
Protein context (NP_005111.2, residues 1211-1231): SQNRIVDGAV[Phe1221Ser]AVLKAVFVLG

ClinVar aggregate classification (germline): Likely pathogenic (1 of 4 stars; one submission).

Submission:

GeneDx
Classification: Likely pathogenic. Last evaluated: 2023-10-26. Review status: criteria provided, single submitter. Criteria: GeneDx Variant Classification Process June 2021. Collection method: clinical testing. Allele origin: germline. Affected: yes.
Comment: Not observed at significant frequency in large population cohorts (gnomAD); In silico analysis supports that this missense variant has a deleterious effect on protein structure/function; Has not been previously published as pathogenic or benign to our knowledge